The following is an entry in ClinVar:

ClinVar aggregate classification (germline): Uncertain significance. Review status: criteria provided, multiple submitters, no conflicts (2 of 4 stars). 2 submissions from 2 submitters: Uncertain significance (2). Last evaluated 2024-10-07.

Conditions:
Glycogen storage disease IXb (GSD9B). Also called: GLYCOGENOSIS OF LIVER AND MUSCLE, AUTOSOMAL RECESSIVE; GSD IXb; PHOSPHORYLASE KINASE DEFICIENCY OF LIVER AND MUSCLE, AUTOSOMAL RECESSIVE. Identifiers: Orphanet 79240, MedGen C0543514, MONDO:0009868, OMIM 261750.
Inborn genetic diseases. Identifiers: MedGen C0950123, MeSH D030342.

Allele frequency attached by ClinVar (database versions not stated): gnomAD exomes below 0.00001; ExAC 0.00001; gnomAD 0.00002; TOPMed 0.00002; ESP Exome Variant Server 0.00008.
gnomAD v4.1: 8 of 1,613,996 alleles (0.0005%); highest among the groups gnomAD compares: Admixed American, 0.0033%; no homozygotes.

Submissions (2):

Labcorp Genetics (formerly Invitae), Labcorp
Classification: Uncertain significance for Glycogen storage disease IXb. Last evaluated: 2024-10-07. Review status: criteria provided, single submitter. Criteria: Invitae Variant Classification Sherloc (09022015). Collection method: clinical testing. Allele origin: germline.
Comment: This sequence change replaces tyrosine, which is neutral and polar, with cysteine, which is neutral and slightly polar, at codon 1068 of the PHKB protein (p.Tyr1068Cys). This variant is present in population databases (rs374634942, gnomAD 0.007%). This variant has not been reported in the literature in individuals affected with PHKB-related conditions. An algorithm developed to predict the effect of missense changes on protein structure and function (PolyPhen-2) suggests that this variant is likely to be disruptive. In summary, the available evidence is currently insufficient to determine the role of this variant in disease. Therefore, it has been classified as a Variant of Uncertain Significance.

Ambry Genetics
Classification: Uncertain significance for Inborn genetic diseases. Last evaluated: 2023-12-30. Review status: criteria provided, single submitter. Criteria: Ambry Variant Classification Scheme 2023. Collection method: clinical testing. Allele origin: germline.

NM_000293.3(PHKB):c.3203A>G (p.Tyr1068Cys)

Gene: PHKB (phosphorylase kinase regulatory subunit beta; plus strand). Cytogenetic location: 16q12.1.
Variant type: single nucleotide variant.
Coding change: c.3203A>G on transcript NM_000293.3 (MANE Select); coding-DNA position 3203, A replaced by G.
Protein change: p.Tyr1068Cys; replaces tyrosine 1068 with cysteine.
Molecular consequence: missense variant.
Genome position (GRCh38, 1-based): chr16:47,699,287, A>G. VCF-style: chr16-47699287-A-G. GRCh37 (hg19) VCF-style: chr16-47733198-A-G.
Other names: c.3182A>G, p.Tyr1061Cys (NM_001031835.3); c.3203A>G, p.Tyr1068Cys (NM_001363837.1); short protein forms Y1068C, Y1061C.
Identifiers: ClinVar variation 3212239 (VCV003212239.2), dbSNP rs374634942, ClinGen allele CA8041483.